The following is an entry in ClinVar:

NM_052947.4(ALPK2):c.5083G>C (p.Ala1695Pro)

Genes: ALPK2 (alpha kinase 2; minus strand), LOC130062577 (ATAC-STARR-seq lymphoblastoid active region 13389; plus strand). Cytogenetic location: 18q21.31.
Variant type: single nucleotide variant.
Coding change: c.5083G>C on transcript NM_052947.4 (MANE Select); coding-DNA position 5083, G replaced by C.
Protein change: p.Ala1695Pro; replaces alanine 1695 with proline.
Molecular consequence: missense variant.
Genome position (GRCh38, 1-based): chr18:58,535,104, C>G on the plus strand (G>C on the coding strand, the complement: ALPK2 is on the minus strand). VCF-style: chr18-58535104-C-G. GRCh37 (hg19) VCF-style: chr18-56202336-C-G.
Other names: short protein forms A1695P.
Identifiers: ClinVar variation 2449308 (VCV002449308.2), dbSNP rs1287646082, ClinGen allele CA402558288.

ClinVar aggregate classification (germline): Uncertain significance (1 of 4 stars; one submission).

Allele frequency attached by ClinVar (database versions not stated): gnomAD exomes below 0.00001.
gnomAD v4.1: 1 of 1,614,130 alleles (0.000062%); highest among the groups gnomAD compares: Non-Finnish European, 0.000085%; no homozygotes.

Submission:

Ambry Genetics
Classification: Uncertain significance. Last evaluated: 2023-03-05. Review status: criteria provided, single submitter. Criteria: Ambry Variant Classification Scheme 2023. Collection method: clinical testing. Allele origin: germline.
Comment: The p.A1695P variant (also known as c.5083G>C), located in coding exon 4 of the ALPK2 gene, results from a G to C substitution at nucleotide position 5083. The alanine at codon 1695 is replaced by proline, an amino acid with highly similar properties. This amino acid position is conserved. In addition, this alteration is predicted to be tolerated by in silico analysis. Since supporting evidence is limited at this time, the clinical significance of this alteration remains unclear.